The following is an entry in ClinVar:

NM_004525.3(LRP2):c.8452_8452+1del

Gene: LRP2 (LDL receptor related protein 2; minus strand). Cytogenetic location: 2q31.1.
Variant type: Deletion.
Coding change: c.8452_8452+1del on transcript NM_004525.3 (MANE Select); coding-DNA position 8452 through the canonical splice donor site of the intron after coding-DNA position 8452, 2 bases deleted (CG; older notation c.8452_8452+1delCG).
Molecular consequence: splice donor variant.
Genome position (GRCh38, 1-based): chr2:169,201,627-169,201,628, CG deleted on the plus strand (CG on the coding strand, the reverse complement: LRP2 is on the minus strand). VCF-style (leftmost placement, unchanged base first): chr2-169201626-ACG-A. GRCh37 (hg19) VCF-style: chr2-170058136-ACG-A.
Identifiers: ClinVar variation 1710508 (VCV001710508.2), dbSNP rs2545794648, ClinGen allele CA2580064430.

ClinVar aggregate classification (germline): Pathogenic (1 of 4 stars; one submission).

Conditions:
Hearing impairment. Also called: Impaired Hearing. Identifiers: MedGen C1384666, MONDO:0005365, HP:0000365.

Submission:

National Institute on Deafness and Communication Disorders, National Institutes of Health
Classification: Pathogenic for Hearing impairment. Review status: criteria provided, single submitter. Criteria: ClinGen HL ACMG Specifications v1. Collection method: research. Allele origin: germline. Inheritance: Autosomal recessive inheritance. Affected: yes. Observed: 1 compound heterozygote.
Comment: This was observed as a compound heterozygous with another missense variant. PVS1,PM2

Literature cited by the submitters: NCBI Bookshelf 1878.